The following is an entry in ClinVar:

NC_000023.10:g.(32519960_32536124)_(32862978_32867844)del

Gene: DMD (dystrophin; minus strand). Cytogenetic location: Xp21.1.
Variant type: Deletion.
Identifiers: ClinVar variation 1331477 (VCV001331477.1).

ClinVar aggregate classification (germline): Pathogenic (1 of 4 stars; one submission).

Conditions:
Neuromuscular disease caused by qualitative or quantitative defects of dystrophin. Also called: Qualitative or quantitative defects of dystrophin. Identifiers: Orphanet 207085, MedGen C5679787, MONDO:0016147.

Submission:

Women's Health and Genetics/Laboratory Corporation of America, LabCorp
Classification: Pathogenic for Neuromuscular disease caused by qualitative or quantitative defects of dystrophin. Last evaluated: 2021-12-23. Review status: criteria provided, single submitter. Criteria: LabCorp Variant Classification Summary - May 2015. Collection method: clinical testing. Allele origin: germline.
Comment: Variant summary: The variant identified by MLPA or other technology involves the deletion of exons 4-18 in the DMD gene. A presumed nomenclature of c.(186+1_187-1)_(2292+1_2293-1)del has been designated for the purposes of this classification. Although exact breakpoints of this deletion are not known, it is expected to result in a large in-frame deletion change in the DMD gene, a known mechanism of disease. The variant was absent in 16120 control chromosomes. c.(186+1_187-1)_(2292+1_2293-1)del has been reported in the literature in individuals affected with Dystrophinopathies (e.g. Winnard_1993, Giliberto_2004). These data indicate that the variant may be associated with disease. The patient who carrying this variant produced no dystrophin (Winnard_1993). No clinical diagnostic laboratories have submitted clinical-significance assessments for this variant to ClinVar after 2014. Based on the evidence outlined above, the variant was classified as pathogenic.

Literature cited by the submitters: PubMed 14977063; PubMed 8353493.